The following is an entry in ClinVar:

NM_005076.5(CNTN2):c.305A>C (p.Lys102Thr)

Gene: CNTN2 (contactin 2; plus strand). Cytogenetic location: 1q32.1.
Variant type: single nucleotide variant.
Coding change: c.305A>C on transcript NM_005076.5 (MANE Select); coding-DNA position 305, A replaced by C.
Protein change: p.Lys102Thr; replaces lysine 102 with threonine.
Molecular consequence: missense variant. On other transcripts: non-coding transcript variant (1).
Genome position (GRCh38, 1-based): chr1:205,058,270, A>C. VCF-style: chr1-205058270-A-C. GRCh37 (hg19) VCF-style: chr1-205027398-A-C.
Other names: c.305A>C, p.Lys102Thr (NM_001346083.2); short protein forms K102T.
Identifiers: ClinVar variation 853752 (VCV000853752.9), dbSNP rs1359784884, ClinGen allele CA344404880.
Genomic context (GRCh38, chr1:205,058,270, plus strand): 5'-TGGAGCCAGGTTCCCGTCACCAGCTGGTGGGGGGCAACCTGGTCATCATGAACCCCACCA[A>C]GGCACAGGATGCCGGGGTCTACCAGTGCCTGGCCTCCAACCCAGTGGGCACCGTTGTCAG-3'
Protein context (NP_005067.1, residues 92-112): GGNLVIMNPT[Lys102Thr]AQDAGVYQCL

ClinVar aggregate classification (germline): Uncertain significance. Review status: criteria provided, multiple submitters, no conflicts (2 of 4 stars). 2 submissions from 2 submitters: Uncertain significance (2). Last evaluated 2024-10-17.

Conditions:
Epilepsy, familial adult myoclonic, 5 (EPEO5). Also called: CORTICAL MYOCLONIC TREMOR WITH EPILEPSY, FAMILIAL, 5. Identifiers: Orphanet 86814, MedGen C3809374, MONDO:0014167, OMIM 615400.

Allele frequency attached by ClinVar (database versions not stated): gnomAD exomes below 0.00001; TOPMed below 0.00001.

Submissions (2):

Labcorp Genetics (formerly Invitae), Labcorp
Classification: Uncertain significance for Epilepsy, familial adult myoclonic, 5. Last evaluated: 2024-10-17. Review status: criteria provided, single submitter. Criteria: Invitae Variant Classification Sherloc (09022015). Collection method: clinical testing. Allele origin: germline.
Comment: This sequence change replaces lysine, which is basic and polar, with threonine, which is neutral and polar, at codon 102 of the CNTN2 protein (p.Lys102Thr). This variant is not present in population databases (gnomAD no frequency). This variant has not been reported in the literature in individuals affected with CNTN2-related conditions. ClinVar contains an entry for this variant (Variation ID: 853752). Invitae Evidence Modeling of protein sequence and biophysical properties (such as structural, functional, and spatial information, amino acid conservation, physicochemical variation, residue mobility, and thermodynamic stability) indicates that this missense variant is not expected to disrupt CNTN2 protein function with a negative predictive value of 95%. In summary, the available evidence is currently insufficient to determine the role of this variant in disease. Therefore, it has been classified as a Variant of Uncertain Significance.

Ambry Genetics
Classification: Uncertain significance. Last evaluated: 2022-04-08. Review status: criteria provided, single submitter. Criteria: Ambry Variant Classification Scheme 2023. Collection method: clinical testing. Allele origin: germline.